The following is an entry in ClinVar:

NM_198525.3(KIF7):c.1515C>G (p.Asp505Glu)

Gene: KIF7 (kinesin family member 7; minus strand). Cytogenetic location: 15q26.1.
Variant type: single nucleotide variant.
Coding change: c.1515C>G on transcript NM_198525.3 (MANE Select); coding-DNA position 1515, C replaced by G.
Protein change: p.Asp505Glu; replaces aspartic acid 505 with glutamic acid.
Molecular consequence: missense variant.
Genome position (GRCh38, 1-based): chr15:89,647,641, G>C on the plus strand (C>G on the coding strand, the complement: KIF7 is on the minus strand). VCF-style: chr15-89647641-G-C. GRCh37 (hg19) VCF-style: chr15-90190872-G-C.
Other names: short protein forms D505E.
Identifiers: ClinVar variation 975721 (VCV000975721.9), dbSNP rs377280724, ClinGen allele CA7728548.

ClinVar aggregate classification (germline): Uncertain significance. Review status: criteria provided, single submitter (1 of 4 stars). 2 submissions from 2 submitters: Uncertain significance (1). 1 of the submissions does not count toward it. Last evaluated 2024-10-22.

Conditions:
Acrocallosal syndrome (ACLS). Also called: Schinzel syndrome 1; Absence of corpus callosum with unusual facial appearance, mental deficiency, duplication of the halluces and polydactyly; HALLUX DUPLICATION, POSTAXIAL POLYDACTYLY, AND ABSENCE OF CORPUS CALLOSUM. Identifiers: Orphanet 36, MedGen C0796147, MONDO:0008708, OMIM 200990.
Intellectual disability. Also called: intellectual disabilities; Intellectual developmental disorder; Intellectual functioning disability. Identifiers: MedGen C3714756, MeSH D008607, MONDO:0001071, HP:0001249.

Allele frequency attached by ClinVar (database versions not stated): ExAC 0.00004; gnomAD exomes 0.00005; gnomAD 0.00003; ESP Exome Variant Server 0.00008; TOPMed 0.00003.
gnomAD v4.1: 47 of 1,611,802 alleles (0.0029%); highest among the groups gnomAD compares: Admixed American, 0.0067%; no homozygotes.

Submissions (2):

Labcorp Genetics (formerly Invitae), Labcorp
Classification: Uncertain significance for Acrocallosal syndrome. Last evaluated: 2024-10-22. Review status: criteria provided, single submitter. Criteria: Invitae Variant Classification Sherloc (09022015). Collection method: clinical testing. Allele origin: germline.
Comment: This sequence change replaces aspartic acid, which is acidic and polar, with glutamic acid, which is acidic and polar, at codon 505 of the KIF7 protein (p.Asp505Glu). This variant is present in population databases (rs377280724, gnomAD 0.01%). This variant has not been reported in the literature in individuals affected with KIF7-related conditions. ClinVar contains an entry for this variant (Variation ID: 975721). Invitae Evidence Modeling of protein sequence and biophysical properties (such as structural, functional, and spatial information, amino acid conservation, physicochemical variation, residue mobility, and thermodynamic stability) indicates that this missense variant is not expected to disrupt KIF7 protein function with a negative predictive value of 80%. In summary, the available evidence is currently insufficient to determine the role of this variant in disease. Therefore, it has been classified as a Variant of Uncertain Significance.

Centre de Biologie Pathologie Génétique, Centre Hospitalier Universitaire de Lille
Classification: Likely benign for Intellectual disability. Last evaluated: 2019-01-01. Review status: no assertion criteria provided. Collection method: clinical testing. Allele origin: inherited. Affected: yes. Not counted in ClinVar's aggregate classification.